The following is an entry in ClinVar:

NM_032043.3(BRIP1):c.2492+5G>A

Gene: BRIP1 (BRCA1 interacting DNA helicase 1; minus strand). Cytogenetic location: 17q23.2.
Variant type: single nucleotide variant.
Coding change: c.2492+5G>A on transcript NM_032043.3 (MANE Select); 5 bases into the intron after coding-DNA position 2492, G replaced by A.
Molecular consequence: intron variant.
Genome position (GRCh38, 1-based): chr17:61,715,946, C>T on the plus strand (G>A on the coding strand, the complement: BRIP1 is on the minus strand). VCF-style: chr17-61715946-C-T. GRCh37 (hg19) VCF-style: chr17-59793307-C-T.
Identifiers: ClinVar variation 407844 (VCV000407844.30), dbSNP rs763222019, ClinGen allele CA8690520.

ClinVar aggregate classification (germline): Uncertain significance. Review status: criteria provided, multiple submitters, no conflicts (2 of 4 stars). 8 submissions from 8 submitters: Uncertain significance (7). 1 of the submissions does not count toward it. Last evaluated 2026-08-06.

Conditions:
BRIP1-related disorder. Also called: BRIP1-related condition; BRIP1-related disorders. Identifiers: MedGen CN239206.
Ovarian cancer. Also called: OVARIAN CANCER, SOMATIC. Identifiers: Orphanet 213500, MedGen C1140680, MONDO:0008170, OMIM 167000.
Fanconi anemia complementation group J. Also called: BRIP1-Related Fanconi Anemia. Identifiers: Orphanet 84, MedGen C1836860, MONDO:0012187, OMIM 609054.
Hereditary cancer-predisposing syndrome. Also called: Neoplastic Syndromes, Hereditary; Tumor predisposition; Hereditary Cancer Syndrome; Hereditary neoplastic syndrome. Identifiers: Orphanet 140162, MedGen C0027672, MeSH D009386, MONDO:0015356.
Familial cancer of breast. Also called: hereditary breast carcinoma; BREAST CANCER, FAMILIAL; Hereditary breast cancer. Identifiers: Orphanet 227535, MedGen C0346153, MONDO:0016419, OMIM 114480. Disease mechanism: loss of function.

Allele frequency attached by ClinVar (database versions not stated): TOPMed below 0.00001; ExAC 0.00001; gnomAD 0.00001; gnomAD exomes 0.00001.
gnomAD v4.1: 15 of 1,556,836 alleles (0.00096%); highest among the groups gnomAD compares: Non-Finnish European, 0.0013%; no homozygotes.

Submissions (8):

PreventionGenetics, part of Exact Sciences
Classification: Uncertain significance for BRIP1-related condition. Last evaluated: 2026-08-06. Review status: criteria provided, single submitter. Criteria: ACMG Guidelines, 2015. Collection method: clinical testing. Allele origin: germline.
Comment: The BRIP1 c.2492+5G>A variant is predicted to interfere with splicing. This variant was reported in an individual with colorectal cancer (Yurgelun et al. 2017. PubMed ID: 28135145). It is reported in 0.0023% of alleles in individuals of European (Non-Finnish) descent in gnomAD and is classified as uncertain in ClinVar (Variation ID: 407844). At this time, the clinical significance of this variant is uncertain due to the absence of conclusive functional and genetic evidence.

Ambry Genetics
Classification: Uncertain significance for Hereditary cancer-predisposing syndrome. Last evaluated: 2025-07-01. Review status: criteria provided, single submitter. Criteria: Ambry Variant Classification Scheme 2023. Collection method: clinical testing. Allele origin: germline.
Comment: The c.2492+5G>A intronic variant results from a G to A substitution 5 nucleotides after coding exon 16 in the BRIP1 gene. This alteration has been seen in a patient with colorectal cancer (Yurgelun MB et al. J. Clin. Oncol. 2017 Apr;35(10):1086-1095). This nucleotide position is highly conserved in available vertebrate species. In silico splice site analysis predicts that this alteration will weaken the native splice donor site and may result in the creation or strengthening of a novel splice donor site. RNA studies have demonstrated that this alteration results in an incomplete splice defect; the clinical impact of this abnormal splicing is unknown at this time (Ambry internal data). Since supporting evidence is limited at this time, the clinical significance of this alteration remains unclear.

Color Diagnostics, LLC DBA Color Health
Classification: Uncertain significance for Hereditary cancer-predisposing syndrome. Last evaluated: 2025-05-20. Review status: criteria provided, single submitter. Criteria: ACMG Guidelines, 2015. Collection method: clinical testing. Allele origin: germline.
Comment: This variant causes a G to A nucleotide substitution at the +5 position of intron 17 of the BRIP1 gene. Splice site prediction tools predict that this variant may have a significant impact on RNA splicing, however, this prediction has not been confirmed in published RNA studies. This variant has been reported in an individual affected with colorectal cancer (PMID: 28135145). This variant has been identified in 3/280396 chromosomes in the general population by the Genome Aggregation Database (gnomAD). The available evidence is insufficient to determine the role of this variant in disease conclusively. Therefore, this variant is classified as a Variant of Uncertain Significance.

Labcorp Genetics (formerly Invitae), Labcorp
Classification: Uncertain significance for Familial cancer of breast; Fanconi anemia complementation group J. Last evaluated: 2024-12-24. Review status: criteria provided, single submitter. Criteria: Invitae Variant Classification Sherloc (09022015). Collection method: clinical testing. Allele origin: germline.
Comment: This sequence change falls in intron 17 of the BRIP1 gene. It does not directly change the encoded amino acid sequence of the BRIP1 protein. It affects a nucleotide within the consensus splice site. This variant is present in population databases (rs763222019, gnomAD 0.002%). This variant has been observed in individual(s) with colorectal cancer (PMID: 28135145). ClinVar contains an entry for this variant (Variation ID: 407844). Variants that disrupt the consensus splice site are a relatively common cause of aberrant splicing (PMID: 17576681, 9536098). Studies have shown that this variant is associated with inconclusive levels of altered splicing (internal data). In summary, the available evidence is currently insufficient to determine the role of this variant in disease. Therefore, it has been classified as a Variant of Uncertain Significance.

GeneDx
Classification: Uncertain significance. Last evaluated: 2024-05-29. Review status: criteria provided, single submitter. Criteria: GeneDx Variant Classification Process June 2021. Collection method: clinical testing. Allele origin: germline. Affected: yes.
Comment: Not observed at significant frequency in large population cohorts (gnomAD); In silico analysis supports a deleterious effect on splicing; Observed in individuals with colorectal cancer (PMID: 28135145); This variant is associated with the following publications: (PMID: 28135145)

Baylor Genetics
Classification: Uncertain significance for Familial cancer of breast. Last evaluated: 2024-01-30. Review status: criteria provided, single submitter. Criteria: ACMG Guidelines, 2015. Collection method: clinical testing. Allele origin: unknown.

Myriad Genetics, Inc.
Classification: Uncertain significance for Familial cancer of breast. Last evaluated: 2023-02-27. Review status: criteria provided, single submitter. Criteria: Myriad Autosomal Dominant, Autosomal Recessive and X-Linked Classification Criteria (2023). Collection method: clinical testing. Allele origin: unknown.
Comment: This variant is classified as a variant of uncertain significance as there is insufficient evidence to determine its impact on protein function and/or cancer risk.

Counsyl
Classification: Uncertain significance for Fanconi anemia complementation group J; Ovarian cancer. Last evaluated: 2017-08-02. Review status: no assertion criteria provided. Collection method: clinical testing. Allele origin: unknown. Not counted in ClinVar's aggregate classification.

Literature cited by the submitters: PubMed 28135145 (cited by 4 submitters); PubMed 17576681 (cited by Labcorp Genetics (formerly Invitae), Labcorp); PubMed 9536098 (cited by Labcorp Genetics (formerly Invitae), Labcorp).